The following is an entry in ClinVar:

ClinVar aggregate classification (germline): Uncertain significance (1 of 4 stars; one submission).

Conditions:
Familial thoracic aortic aneurysm and aortic dissection (TAAD). Also called: Thoracic aortic aneurysms and dissections. Identifiers: Orphanet 91387, MedGen C4707243, MONDO:0019625.

Submission:

Labcorp Genetics (formerly Invitae), Labcorp
Classification: Uncertain significance for Familial thoracic aortic aneurysm and aortic dissection. Last evaluated: 2021-08-23. Review status: criteria provided, single submitter. Criteria: Invitae Variant Classification Sherloc (09022015). Collection method: clinical testing. Allele origin: germline.
Comment: This variant is a sub-genic deletion of the genomic region encompassing exon 6 of the TGFBR2 gene. While this deletion is not anticipated to result in nonsense mediated decay, it is expected to create a truncated protein product. This variant has not been reported in the literature in individuals with TGFBR2-related conditions. Experimental studies and prediction algorithms are not available or were not evaluated, and the functional significance of this variant is currently unknown. In summary, the available evidence is currently insufficient to determine the role of this variant in disease. Therefore, it has been classified as a Variant of Uncertain Significance.

NC_000003.11:g.(?_30729856)_(30730023_?)del

Gene: TGFBR2 (transforming growth factor beta receptor 2; plus strand). Cytogenetic location: 3p24.1.
Variant type: Deletion.
Identifiers: ClinVar variation 2424663 (VCV002424663.3).